The following is an entry in ClinVar:

NM_000051.4(ATM):c.8030A>G (p.Tyr2677Cys)

Genes: ATM (ATM serine/threonine kinase; plus strand), C11orf65 (chromosome 11 open reading frame 65; minus strand). Cytogenetic location: 11q22.3.
Variant type: single nucleotide variant.
Coding change: c.8030A>G on transcript NM_000051.4 (MANE Select); coding-DNA position 8030, A replaced by G.
Protein change: p.Tyr2677Cys; replaces tyrosine 2677 with cysteine.
Molecular consequence: missense variant. On other transcripts: intron variant (2).
Genome position (GRCh38, 1-based): chr11:108,334,988, A>G. VCF-style: chr11-108334988-A-G. GRCh37 (hg19) VCF-style: chr11-108205715-A-G.
Other names: c.8030A>G, p.Tyr2677Cys (NM_001351834.2); c.641-25917T>C (NM_001330368.2); c.*38+232T>C (NM_001351110.2); short protein forms Y2677C.
Identifiers: ClinVar variation 3045 (VCV000003045.18), dbSNP rs28942103, ClinGen allele CA249431.

ClinVar aggregate classification (germline): Likely pathogenic. Review status: criteria provided, multiple submitters, no conflicts (2 of 4 stars). 5 submissions from 5 submitters: Likely pathogenic (4). 1 of the submissions does not count toward it. Last evaluated 2025-12-09.

Conditions:
Hereditary cancer-predisposing syndrome. Also called: Neoplastic Syndromes, Hereditary; Tumor predisposition; Hereditary Cancer Syndrome; Hereditary neoplastic syndrome. Identifiers: Orphanet 140162, MedGen C0027672, MeSH D009386, MONDO:0015356.
Ataxia - telangiectasia variant. Identifiers: Orphanet 370109, MedGen C1876175, MONDO:0018266.
Ataxia-telangiectasia syndrome (AT). Also called: Ataxia-telangiectasia, complementation group E; LOUIS-BAR SYNDROME; AT, COMPLEMENTATION GROUP C; Cerebello-oculocutaneous telangiectasia; Immunodeficiency with ataxia telangiectasia; ATAXIA-TELANGIECTASIA, COMPLEMENTATION GROUP A. Identifiers: Orphanet 100, MedGen C0004135, MONDO:0008840, OMIM 208900.
Familial cancer of breast. Also called: Hereditary breast cancer; BREAST CANCER, FAMILIAL; hereditary breast carcinoma. Identifiers: Orphanet 227535, MedGen C0346153, MONDO:0016419, OMIM 114480. Disease mechanism: loss of function.

Allele frequency attached by ClinVar (database versions not stated): gnomAD exomes below 0.00001.
gnomAD v4.1: 1 of 1,613,542 alleles (0.000062%); highest among the groups gnomAD compares: Non-Finnish European, 0.000085%; no homozygotes.

Submissions (5):

Ambry Genetics
Classification: Likely pathogenic for Hereditary cancer-predisposing syndrome. Last evaluated: 2025-12-09. Review status: criteria provided, single submitter. Criteria: Ambry Variant Classification Scheme 2023. Collection method: clinical testing. Allele origin: germline.
Comment: The p.Y2677C variant (also known as c.8030A>G), located in coding exon 54 of the ATM gene, results from an A to G substitution at nucleotide position 8030. The tyrosine at codon 2677 is replaced by cysteine, an amino acid with highly dissimilar properties. This alteration has been reported in trans with a truncating ATM alteration in two sisters with late-onset ataxia telangiectasia (Saviozzi S et al. J. Med. Genet., 2002 Jan;39:57-61). Functional studies in patient derived cells showed that although this variant results in significantly reduced protein levels (Saviozzi S et al. J. Med. Genet., 2002 Jan;39:57-61; Mitui M et al. Hum Mutat 2009 Jan;30(1):12-21), its ability to phosphorylate its targets were close to normal levels (Saviozzi S et al. J. Med. Genet., 2002 Jan;39:57-61). This suggests that there is significant residual kinase activity; thus the exact functional impact of this variant remains unclear. This amino acid position is highly conserved in available vertebrate species. In addition, this alteration is predicted to be deleterious by in silico analysis. As risk estimates are unknown at this time, clinical correlation is advised. Based on the majority of available evidence to date, this variant is likely to be pathogenic.

Labcorp Genetics (formerly Invitae), Labcorp
Classification: Likely pathogenic for Ataxia-telangiectasia syndrome. Last evaluated: 2025-11-01. Review status: criteria provided, single submitter. Criteria: Invitae Variant Classification Sherloc (09022015). Collection method: clinical testing. Allele origin: germline.
Comment: This sequence change replaces tyrosine, which is neutral and polar, with cysteine, which is neutral and slightly polar, at codon 2677 of the ATM protein (p.Tyr2677Cys). This variant is not present in population databases (gnomAD no frequency). This missense change has been observed in individual(s) with clinical features of ataxia-telangiectasia (PMID: 11826028, 32754152). It has also been observed to segregate with disease in related individuals. ClinVar contains an entry for this variant (Variation ID: 3045). Invitae Evidence Modeling of protein sequence and biophysical properties (such as structural, functional, and spatial information, amino acid conservation, physicochemical variation, residue mobility, and thermodynamic stability) indicates that this missense variant is expected to disrupt ATM protein function with a positive predictive value of 95%. Experimental studies have shown that this missense change affects ATM function (PMID: 11826028, 18634022). In summary, the currently available evidence indicates that the variant is pathogenic, but additional data are needed to prove that conclusively. Therefore, this variant has been classified as Likely Pathogenic.

Natera, Inc.
Classification: Likely pathogenic for Ataxia-telangiectasia. Last evaluated: 2025-03-12. Review status: criteria provided, single submitter. Criteria: Natera Variant Classification Schema (03/2026). Collection method: clinical testing. Allele origin: germline.
Comment: The c.8030A>G variant in ATM is a missense variant predicted to cause substitution of tyrosine to cysteine at amino acid 2677. This variant is rare in the general population with a frequency below the threshold expected for the associated phenotype(s). This variant has been observed in one or more individuals affected with the associated recessive disease, as either homozygous or compound heterozygous with a second variant (PMID: 11826028). Additionally, this variant has been observed to segregate in affected family members (PMID: 11826028, 3275415). Computational prediction algorithms indicate this variant is likely to affect gene or protein function. Given the available evidence, this variant is classified as Likely Pathogenic.

Myriad Genetics, Inc.
Classification: Likely pathogenic for Familial cancer of breast. Last evaluated: 2024-02-01. Review status: criteria provided, single submitter. Criteria: Myriad Autosomal Dominant, Autosomal Recessive and X-Linked Classification Criteria (2023). Collection method: clinical testing. Allele origin: unknown.
Comment: This variant is considered likely pathogenic. This variant has been reported in multiple individuals with clinical features of gene-specific disease [PMID: 11826028, 32754152]. Functional studies indicate this variant impacts protein function [PMID: 18634022, 11826028].

OMIM
Classification: Pathogenic for ATAXIA-TELANGIECTASIA VARIANT. Last evaluated: 2002-01-01. Review status: no assertion criteria provided. Collection method: literature only. Allele origin: germline. Not counted in ClinVar's aggregate classification.

Literature cited by the submitters: PubMed 11826028 (cited by 5 submitters); PubMed 14654357 (cited by Ambry Genetics); PubMed 18634022 (cited by 3 submitters); PubMed 22529920 (cited by Ambry Genetics); PubMed 9792410 (cited by Ambry Genetics); PubMed 32754152 (cited by Labcorp Genetics (formerly Invitae), Labcorp and Myriad Genetics, Inc.); PubMed 3275415 (cited by Natera, Inc.).